The following is an entry in ClinVar:

ClinVar aggregate classification (germline): Conflicting classifications of pathogenicity. Review status: criteria provided, conflicting classifications (1 of 4 stars). 2 submissions from 2 submitters: Likely pathogenic (1); Uncertain significance (1). Last evaluated 2023-08-31.

Conditions:
Frontotemporal dementia (FTD1). Also called: WILHELMSEN-LYNCH DISEASE; Frontotemporal lobe dementia (FLDEM); MULTIPLE SYSTEM TAUOPATHY WITH PRESENILE DEMENTIA; Frontotemporal Dementia with Parkinsonism-17 (FTDP-17); Dementia, frontotemporal, with or without parkinsonism; FRONTOTEMPORAL DEMENTIA WITH PARKINSONISM. Identifiers: Orphanet 282, MedGen C0338451, MONDO:0017276, OMIM 600274, HP:0002145.

Allele frequency attached by ClinVar (database versions not stated): gnomAD exomes below 0.00001; gnomAD 0.00001.
gnomAD v4.1: 4 of 1,613,680 alleles (0.00025%); highest among the groups gnomAD compares: South Asian, 0.0011%; no homozygotes.

Submissions (2):

Mayo Clinic Laboratories, Mayo Clinic
Classification: Likely pathogenic. Last evaluated: 2023-08-31. Review status: criteria provided, single submitter. Criteria: ACMG Guidelines, 2015. Collection method: clinical testing. Allele origin: germline. Observed: 1 variant allele.
Comment: PP3, PP4, PM1, PM2, PS3_moderate, PS4_supporting

Labcorp Genetics (formerly Invitae), Labcorp
Classification: Uncertain significance for Frontotemporal dementia. Last evaluated: 2023-06-14. Review status: criteria provided, single submitter. Criteria: Invitae Variant Classification Sherloc (09022015). Collection method: clinical testing. Allele origin: germline.
Comment: In summary, the available evidence is currently insufficient to determine the role of this variant in disease. Therefore, it has been classified as a Variant of Uncertain Significance. This variant is present in population databases (no rsID available, gnomAD 0.002%). This missense change has been observed in individuals with frontotemporal dementia (PMID: 16495329, 32961270). Advanced modeling of protein sequence and biophysical properties (such as structural, functional, and spatial information, amino acid conservation, physicochemical variation, residue mobility, and thermodynamic stability) performed at Invitae indicates that this missense variant is expected to disrupt MAPT protein function. Experimental studies have shown that this missense change affects MAPT function (PMID: 32961270). This sequence change replaces glycine, which is neutral and non-polar, with arginine, which is basic and polar, at codon 273 of the MAPT protein (p.Gly273Arg).

Literature cited by the submitters: PubMed 16495329 (cited by Mayo Clinic Laboratories, Mayo Clinic and Labcorp Genetics (formerly Invitae), Labcorp); PubMed 32961270 (cited by Mayo Clinic Laboratories, Mayo Clinic and Labcorp Genetics (formerly Invitae), Labcorp).

NM_001377265.1(MAPT):c.1993G>A (p.Gly665Arg)

Gene: MAPT (microtubule associated protein tau). Cytogenetic location: 17q21.31.
Variant type: single nucleotide variant.
Coding change: c.1993G>A on transcript NM_001377265.1 (MANE Select); coding-DNA position 1993, G replaced by A.
Protein change: p.Gly665Arg; replaces glycine 665 with arginine.
Molecular consequence: missense variant. On other transcripts: non-coding transcript variant (1).
Genome position (GRCh38, 1-based): chr17:45,996,659, G>A. VCF-style: chr17-45996659-G-A. GRCh37 (hg19) VCF-style: chr17-44074025-G-A.
Other names: p.Gly273Arg; c.817G>A (NM_005910.5); c.1822G>A, p.Gly608Arg (NM_001123066.4); c.730G>A, p.Gly244Arg (NM_001123067.4, NM_001203251.2, NM_001377267.1); c.817G>A, p.Gly273Arg (NM_001203252.2, NM_005910.6); c.1795G>A, p.Gly599Arg (NM_001377266.1); c.643G>A, p.Gly215Arg (NM_001377268.1, NM_016834.5, NM_016841.5); c.1768G>A, p.Gly590Arg (NM_016835.5); short protein forms G215R, G590R, G599R, G273R, G608R, G244R, G665R.
Identifiers: ClinVar variation 2955778 (VCV002955778.4), dbSNP rs1247408229, ClinGen allele CA399978468.